The following is an entry in ClinVar:

ClinVar aggregate classification (germline): Conflicting classifications of pathogenicity. Review status: criteria provided, conflicting classifications (1 of 4 stars). 2 submissions from 2 submitters: Likely pathogenic (1); Uncertain significance (1). Last evaluated 2024-02-26.

Conditions:
Dilated cardiomyopathy 1D. Identifiers: Orphanet 154, Orphanet 54260, MedGen C1832243, MONDO:0011095, OMIM 601494.
Hypertrophic cardiomyopathy 2. Also called: TNNT2-Related Familial Hypertrophic Cardiomyopathy. Identifiers: MedGen C1861864, MONDO:0007266, OMIM 115195.
Cardiomyopathy, familial restrictive, 3. Identifiers: Orphanet 75249, MedGen C2676271, MONDO:0012900, OMIM 612422.

Submissions (2):

GeneDx
Classification: Uncertain significance. Last evaluated: 2024-02-26. Review status: criteria provided, single submitter. Criteria: GeneDx Variant Classification Process June 2021. Collection method: clinical testing. Allele origin: germline. Affected: yes.
Comment: Not observed at significant frequency in large population cohorts (gnomAD); In silico analysis supports that this missense variant has a deleterious effect on protein structure/function; Has not been previously published as pathogenic or benign to our knowledge

Labcorp Genetics (formerly Invitae), Labcorp
Classification: Likely pathogenic for Cardiomyopathy, familial restrictive, 3; Hypertrophic cardiomyopathy 2; Dilated cardiomyopathy 1D. Last evaluated: 2023-06-03. Review status: criteria provided, single submitter. Criteria: Invitae Variant Classification Sherloc (09022015). Collection method: clinical testing. Allele origin: germline.
Comment: This sequence change replaces arginine, which is basic and polar, with isoleucine, which is neutral and non-polar, at codon 84 of the TNNT2 protein (p.Arg84Ile). In summary, the currently available evidence indicates that the variant is pathogenic, but additional data are needed to prove that conclusively. Therefore, this variant has been classified as Likely Pathogenic. This variant disrupts the p.Arg84 amino acid residue in TNNT2. Other variant(s) that disrupt this residue have been determined to be pathogenic (PMID: 27483260, 27532257; Invitae). This suggests that this residue is clinically significant, and that variants that disrupt this residue are likely to be disease-causing. Advanced modeling of protein sequence and biophysical properties (such as structural, functional, and spatial information, amino acid conservation, physicochemical variation, residue mobility, and thermodynamic stability) performed at Invitae indicates that this missense variant is expected to disrupt TNNT2 protein function. This variant has not been reported in the literature in individuals affected with TNNT2-related conditions. This variant is not present in population databases (gnomAD no frequency).

Literature cited by the submitters: PubMed 27483260 (cited by Labcorp Genetics (formerly Invitae), Labcorp); PubMed 27532257 (cited by Labcorp Genetics (formerly Invitae), Labcorp).

NM_001276345.2(TNNT2):c.281G>T (p.Arg94Ile)

Gene: TNNT2 (troponin T2, cardiac type; minus strand). Cytogenetic location: 1q32.1.
Variant type: single nucleotide variant.
Coding change: c.281G>T on transcript NM_001276345.2 (MANE Select); coding-DNA position 281, G replaced by T.
Protein change: p.Arg94Ile; replaces arginine 94 with isoleucine.
Molecular consequence: missense variant.
Genome position (GRCh38, 1-based): chr1:201,365,623, C>A on the plus strand (G>T on the coding strand, the complement: TNNT2 is on the minus strand). VCF-style: chr1-201365623-C-A. GRCh37 (hg19) VCF-style: chr1-201334751-C-A.
Other names: c.251G>T (NM_001001430.1); c.281G>T, p.Arg94Ile (NM_000364.4, NM_001406723.1); c.251G>T, p.Arg84Ile (NM_001001430.3, NM_001001431.3, NM_001276347.2 and 3 more transcripts); c.236G>T, p.Arg79Ile (NM_001001432.3, NM_001406728.1); c.278G>T, p.Arg93Ile (NM_001276346.2); c.248G>T, p.Arg83Ile (NM_001406725.1); short protein forms R79I, R83I, R84I, R94I, R93I.
Identifiers: ClinVar variation 2939571 (VCV002939571.2), dbSNP rs397516452, ClinGen allele CA344206660.